The following is an entry in ClinVar:

ClinVar aggregate classification (germline): Uncertain significance (1 of 4 stars; one submission).

Conditions:
TTC21B-related disorder. Also called: TTC21B-related disorders; TTC21B-related condition.

gnomAD v4.1: 2 of 1,610,208 alleles (0.00012%); no homozygotes.

Submission:

PreventionGenetics, part of Exact Sciences
Classification: Uncertain significance for TTC21B-related condition. Last evaluated: 2025-05-17. Review status: criteria provided, single submitter. Criteria: ACMG Guidelines, 2015. Collection method: clinical testing. Allele origin: germline.
Comment: The TTC21B c.455A>T variant is predicted to result in the amino acid substitution p.Asp152Val. To our knowledge, this variant has not been reported in the literature. This variant is reported in 0.0046% of alleles in individuals of European (Finnish) descent in gnomAD. At this time, the clinical significance of this variant is uncertain due to the absence of conclusive functional and genetic evidence.

NM_024753.5(TTC21B):c.455A>T (p.Asp152Val)

Genes: TTC21B (tetratricopeptide repeat domain 21B; minus strand), TTC21B-AS1 (TTC21B antisense RNA 1; plus strand). Cytogenetic location: 2q24.3.
Variant type: single nucleotide variant.
Coding change: c.455A>T on transcript NM_024753.5 (MANE Select); coding-DNA position 455, A replaced by T.
Protein change: p.Asp152Val; replaces aspartic acid 152 with valine.
Molecular consequence: missense variant.
Genome position (GRCh38, 1-based): chr2:165,943,316, T>A on the plus strand (A>T on the coding strand, the complement: TTC21B is on the minus strand). VCF-style: chr2-165943316-T-A. GRCh37 (hg19) VCF-style: chr2-166799826-T-A.
Other names: short protein forms D152V.
Identifiers: ClinVar variation 5001768 (VCV005001768.1).
Genomic context (GRCh38, chr2:165,943,316, plus strand): 5'-AGTCCCTCTTCAAAATACTTCAGTGCTTTTTTAGTGTAAGGCTCTTTTCCTCTTGTAATA[T>A]CAAGCCATGCTTTCAAAACGTGTCCCTGTAAAATGAATAATTCTATTTTTACTTTTTTAG-3'
Protein context (NP_079029.3, residues 142-162): KQGHVLKAWL[Asp152Val]ITRGKEPYTK